The following is an entry in ClinVar:

NM_033087.4(ALG2):c.784G>T (p.Val262Phe)

Gene: ALG2 (ALG2 alpha-1,3/1,6-mannosyltransferase; minus strand). Cytogenetic location: 9q22.33.
Variant type: single nucleotide variant.
Coding change: c.784G>T on transcript NM_033087.4 (MANE Select); coding-DNA position 784, G replaced by T.
Protein change: p.Val262Phe; replaces valine 262 with phenylalanine.
Molecular consequence: missense variant. On other transcripts: non-coding transcript variant (1).
Genome position (GRCh38, 1-based): chr9:99,218,401, C>A on the plus strand (G>T on the coding strand, the complement: ALG2 is on the minus strand). VCF-style: chr9-99218401-C-A. GRCh37 (hg19) VCF-style: chr9-101980683-C-A.
Other names: short protein forms V262F.
Identifiers: ClinVar variation 660985 (VCV000660985.10), dbSNP rs1229029511, ClinGen allele CA374227715.

ClinVar aggregate classification (germline): Uncertain significance (1 of 4 stars; one submission).

Conditions:
Congenital disorder of glycosylation, type Ii. Also called: CDG Ii; ALG2-congenital disorder of glycosylation; ALG2-CDG. Identifiers: Orphanet 79326, MedGen C1842836, MONDO:0011933, OMIM 607906.
Congenital myasthenic syndrome 14. Also called: Myasthenic syndrome, congenital, 14, with tubular aggregates. Identifiers: Orphanet 353327, Orphanet 590, MedGen C4015597, MONDO:0014543, OMIM 616228.

Allele frequency attached by ClinVar (database versions not stated): TOPMed 0.00001; gnomAD 0.00002.

Submission:

Labcorp Genetics (formerly Invitae), Labcorp
Classification: Uncertain significance for Congenital disorder of glycosylation, type Ii; Congenital myasthenic syndrome 14. Last evaluated: 2022-06-20. Review status: criteria provided, single submitter. Criteria: Invitae Variant Classification Sherloc (09022015). Collection method: clinical testing. Allele origin: germline.
Comment: This sequence change replaces valine, which is neutral and non-polar, with phenylalanine, which is neutral and non-polar, at codon 262 of the ALG2 protein (p.Val262Phe). This variant is present in population databases (no rsID available, gnomAD 0.01%). This variant has not been reported in the literature in individuals affected with ALG2-related conditions. ClinVar contains an entry for this variant (Variation ID: 660985). Algorithms developed to predict the effect of missense changes on protein structure and function are either unavailable or do not agree on the potential impact of this missense change (SIFT: "Deleterious"; PolyPhen-2: "Benign"; Align-GVGD: "Class C0"). In summary, the available evidence is currently insufficient to determine the role of this variant in disease. Therefore, it has been classified as a Variant of Uncertain Significance.